The following is an entry in ClinVar:

ClinVar aggregate classification (germline): Uncertain significance (1 of 4 stars; one submission).

Conditions:
Inborn genetic diseases. Identifiers: MedGen C0950123, MeSH D030342.

Allele frequency attached by ClinVar (database versions not stated): gnomAD exomes below 0.00001.
gnomAD v4.1: 1 of 1,607,384 alleles (0.000062%); highest among the groups gnomAD compares: South Asian, 0.0011%; no homozygotes.

Submission:

Ambry Genetics
Classification: Uncertain significance for Inborn genetic diseases. Last evaluated: 2021-07-08. Review status: criteria provided, single submitter. Criteria: Ambry Variant Classification Scheme 2023. Collection method: clinical testing. Allele origin: germline.
Comment: The c.621-6A>G intronic alteration consists of a A to G substitution 6 nucleotides before coding exon 7 in the DIAPH1 gene. Based on insufficient or conflicting evidence, the clinical significance of this alteration remains unclear.

NM_005219.5(DIAPH1):c.621-6A>G

Gene: DIAPH1 (diaphanous related formin 1; minus strand). Cytogenetic location: 5q31.3.
Variant type: single nucleotide variant.
Coding change: c.621-6A>G on transcript NM_005219.5 (MANE Select); 6 bases into the intron before coding-DNA position 621, A replaced by G.
Molecular consequence: intron variant.
Genome position (GRCh38, 1-based): chr5:141,582,381, T>C on the plus strand (A>G on the coding strand, the complement: DIAPH1 is on the minus strand). VCF-style: chr5-141582381-T-C. GRCh37 (hg19) VCF-style: chr5-140961948-T-C.
Other names: c.594-6A>G (NM_001079812.3); c.621-6A>G (NM_001314007.2).
Identifiers: ClinVar variation 2231663 (VCV002231663.2), dbSNP rs2513769543, ClinGen allele CA645558439.
Genomic context (GRCh38, chr5:141,582,381, plus strand): 5'-CATAAAAGCTTTCAAGCAGCGAATGATCTCATGCTTGTTCCGGCTATCGTAACTCCTGTA[T>C]ATAGAAGACATAATCAGTGAGGTCCCTTTATTCTCTACCCCTTTCCCATTTTTAATCTTG-3'